The following is an entry in ClinVar:

ClinVar aggregate classification (germline): Uncertain significance (1 of 4 stars; one submission).

Conditions:
Dyskeratosis congenita, autosomal dominant 1 (DKCA1). Also called: Dyskeratosis congenita Scoggins type. Identifiers: Orphanet 1775, MedGen C4551974, MONDO:0007485, OMIM 127550. Inheritance: Variable.

Submission:

Labcorp Genetics (formerly Invitae), Labcorp
Classification: Uncertain significance for Dyskeratosis congenita, autosomal dominant 1. Last evaluated: 2023-12-01. Review status: criteria provided, single submitter. Criteria: Invitae Variant Classification Sherloc (09022015). Collection method: clinical testing. Allele origin: germline.
Comment: This variant occurs in the TERC gene, which encodes an RNA molecule that does not result in a protein product. This variant is not present in population databases (gnomAD no frequency). This variant has not been reported in the literature in individuals affected with TERC-related conditions. This variant is located at the 5’ end of the TERC RNA component (PMID: 15082312, 21844345). The functional significance of this region is not well understood. In summary, the available evidence is currently insufficient to determine the role of this variant in disease. Therefore, it has been classified as a Variant of Uncertain Significance.

Literature cited by the submitters: PubMed 15082312; PubMed 21844345.

NC_000003.12:g.169765034_169765035insG

Genes: TERC (telomerase RNA component; minus strand), LOC110806306 (telomerase RNA component (TERC) promoter; plus strand). Cytogenetic location: 3q26.2.
Variant type: Insertion.
Genome position: GRCh38 VCF-style: chr3-169765034-C-CG. GRCh37 (hg19) VCF-style: chr3-169482822-C-CG.
Identifiers: ClinVar variation 3015793 (VCV003015793.3), dbSNP rs2474262673, ClinGen allele CA2740091053.